The following is an entry in ClinVar:

ClinVar aggregate classification (germline): Uncertain significance (1 of 4 stars; one submission).

Submission:

Ambry Genetics
Classification: Uncertain significance. Last evaluated: 2022-06-04. Review status: criteria provided, single submitter. Criteria: Ambry Variant Classification Scheme 2023. Collection method: clinical testing. Allele origin: germline.
Comment: The p.T1159R variant (also known as c.3476C>G), located in coding exon 4 of the ALPK2 gene, results from a C to G substitution at nucleotide position 3476. The threonine at codon 1159 is replaced by arginine, an amino acid with similar properties. This amino acid position is conserved. In addition, this alteration is predicted to be tolerated by in silico analysis. Since supporting evidence is limited at this time, the clinical significance of this alteration remains unclear.

NM_052947.4(ALPK2):c.3476C>G (p.Thr1159Arg)

Gene: ALPK2 (alpha kinase 2; minus strand). Cytogenetic location: 18q21.31.
Variant type: single nucleotide variant.
Coding change: c.3476C>G on transcript NM_052947.4 (MANE Select); coding-DNA position 3476, C replaced by G.
Protein change: p.Thr1159Arg; replaces threonine 1159 with arginine.
Molecular consequence: missense variant.
Genome position (GRCh38, 1-based): chr18:58,536,711, G>C on the plus strand (C>G on the coding strand, the complement: ALPK2 is on the minus strand). VCF-style: chr18-58536711-G-C. GRCh37 (hg19) VCF-style: chr18-56203943-G-C.
Other names: short protein forms T1159R.
Identifiers: ClinVar variation 1731786 (VCV001731786.2), dbSNP rs528793765, ClinGen allele CA402566749.